The following is an entry in ClinVar:

NM_000834.5(GRIN2B):c.3344G>T (p.Arg1115Leu)

Gene: GRIN2B (glutamate ionotropic receptor NMDA type subunit 2B; minus strand). Cytogenetic location: 12p13.1.
Variant type: single nucleotide variant.
Coding change: c.3344G>T on transcript NM_000834.5 (MANE Select); coding-DNA position 3344, G replaced by T.
Protein change: p.Arg1115Leu; replaces arginine 1115 with leucine.
Molecular consequence: missense variant.
Genome position (GRCh38, 1-based): chr12:13,563,894, C>A on the plus strand (G>T on the coding strand, the complement: GRIN2B is on the minus strand). VCF-style: chr12-13563894-C-A. GRCh37 (hg19) VCF-style: chr12-13716828-C-A.
Other names: short protein forms R1115L.
Identifiers: ClinVar variation 1483544 (VCV001483544.32), dbSNP rs199514711, ClinGen allele CA6460912.

ClinVar aggregate classification (germline): Uncertain significance. Review status: criteria provided, multiple submitters, no conflicts (2 of 4 stars). 2 submissions from 2 submitters: Uncertain significance (2). Last evaluated 2022-07-01.

Conditions:
Intellectual developmental disorder, autosomal dominant 6, with or without seizures. Also called: Intellectual disability, autosomal dominant 6; GRIN2B-related developmental delay, intellectual disability and autism spectrum disorder. Identifiers: Orphanet 589547, MedGen C3151411, MONDO:0013509, OMIM 613970.
Developmental and epileptic encephalopathy, 27 (DEE27). Also called: Epileptic encephalopathy, early infantile, 27; GRIN2B-Related Neurodevelopmental Disorder. Identifiers: Orphanet 3451, MedGen C4015316, MONDO:0014505, OMIM 616139.

Allele frequency attached by ClinVar (database versions not stated): gnomAD 0.00001.
gnomAD v4.1: 13 of 1,613,974 alleles (0.00081%); highest among the groups gnomAD compares: Non-Finnish European, 0.001%; no homozygotes.

Submissions (2):

CeGaT Center for Human Genetics Tuebingen
Classification: Uncertain significance. Last evaluated: 2022-07-01. Review status: criteria provided, single submitter. Criteria: CeGaT Center For Human Genetics Tuebingen Variant Classification Criteria Version 2. Collection method: clinical testing. Allele origin: germline. Affected: yes. Observed: 1 variant allele.
Comment: GRIN2B: PP2, BP4

Labcorp Genetics (formerly Invitae), Labcorp
Classification: Uncertain significance for Developmental and epileptic encephalopathy, 27; Intellectual developmental disorder, autosomal dominant 6, with or without seizures. Last evaluated: 2022-04-18. Review status: criteria provided, single submitter. Criteria: Invitae Variant Classification Sherloc (09022015). Collection method: clinical testing. Allele origin: germline.
Comment: Advanced modeling of protein sequence and biophysical properties (such as structural, functional, and spatial information, amino acid conservation, physicochemical variation, residue mobility, and thermodynamic stability) performed at Invitae indicates that this missense variant is not expected to disrupt GRIN2B protein function. In summary, the available evidence is currently insufficient to determine the role of this variant in disease. Therefore, it has been classified as a Variant of Uncertain Significance. This variant has not been reported in the literature in individuals affected with GRIN2B-related conditions. This sequence change replaces arginine, which is basic and polar, with leucine, which is neutral and non-polar, at codon 1115 of the GRIN2B protein (p.Arg1115Leu). This variant is present in population databases (rs199514711, gnomAD 0.002%).